The following is an entry in ClinVar:

ClinVar aggregate classification (germline): Likely benign. Review status: criteria provided, multiple submitters, no conflicts (2 of 4 stars). 2 submissions from 2 submitters: Likely benign (2). Last evaluated 2024-03-01.

Allele frequency attached by ClinVar (database versions not stated): ExAC 0.00003; ESP Exome Variant Server 0.00008.
gnomAD v4.1: 50 of 1,614,014 alleles (0.0031%); highest among the groups gnomAD compares: Middle Eastern, 0.12%; no homozygotes.

Submissions (2):

CeGaT Center for Human Genetics Tuebingen
Classification: Likely benign. Last evaluated: 2024-03-01. Review status: criteria provided, single submitter. Criteria: CeGaT Center For Human Genetics Tuebingen Variant Classification Criteria Version 2. Collection method: clinical testing. Allele origin: germline. Affected: yes. Observed: 1 variant allele.
Comment: TAF6: BP4, BP7

Labcorp Genetics (formerly Invitae), Labcorp
Classification: Likely benign. Last evaluated: 2022-03-07. Review status: criteria provided, single submitter. Criteria: Invitae Variant Classification Sherloc (09022015). Collection method: clinical testing. Allele origin: germline.

NM_139315.3(TAF6):c.333G>A (p.Glu111=)

Gene: TAF6 (TATA-box binding protein associated factor 6; minus strand). Cytogenetic location: 7q22.1.
Variant type: single nucleotide variant.
Coding change: c.333G>A on transcript NM_139315.3 (MANE Select); coding-DNA position 333, G replaced by A.
Protein change: p.Glu111=; no amino-acid change (glutamic acid 111 retained).
Molecular consequence: synonymous variant. On other transcripts: non-coding transcript variant (1).
Genome position (GRCh38, 1-based): chr7:100,113,680, C>T on the plus strand (G>A on the coding strand, the complement: TAF6 is on the minus strand). VCF-style: chr7-100113680-C-T. GRCh37 (hg19) VCF-style: chr7-99711303-C-T.
Other names: c.444G>A, p.Glu148= (NM_001190415.2); c.333G>A, p.Glu111= (NM_001364998.1, NM_001364999.1, NM_005641.4); c.303G>A, p.Glu101= (NM_001365000.1, NM_001365001.1, NM_001365002.1 and 1 more transcripts); c.471G>A, p.Glu157= (NM_001365004.1).
Identifiers: ClinVar variation 2077761 (VCV002077761.25), dbSNP rs374236355, ClinGen allele CA4375667.